The following is an entry in ClinVar:

ClinVar aggregate classification (germline): Pathogenic (1 of 4 stars; one submission).

Conditions:
Joubert syndrome. Also called: CEREBELLOPARENCHYMAL DISORDER IV; JOUBERT-BOLTSHAUSER SYNDROME; Familial aplasia of the vermis. Identifiers: Orphanet 475, MedGen C5979921, MONDO:0018772.

Submission:

Labcorp Genetics (formerly Invitae), Labcorp
Classification: Pathogenic for Joubert syndrome. Last evaluated: 2023-06-02. Review status: criteria provided, single submitter. Criteria: Invitae Variant Classification Sherloc (09022015). Collection method: clinical testing. Allele origin: germline.
Comment: For these reasons, this variant has been classified as Pathogenic. This variant has not been reported in the literature in individuals affected with TMEM216-related conditions. This variant is not present in population databases (gnomAD no frequency). This sequence change creates a premature translational stop signal (p.Cys83Serfs*9) in the TMEM216 gene. It is expected to result in an absent or disrupted protein product. Loss-of-function variants in TMEM216 are known to be pathogenic (PMID: 20512146).

Literature cited by the submitters: PubMed 20512146.

NM_001173990.3(TMEM216):c.248_249del (p.Cys83fs)

Gene: TMEM216 (transmembrane protein 216; plus strand). Cytogenetic location: 11q12.2.
Variant type: Deletion.
Coding change: c.248_249del on transcript NM_001173990.3 (MANE Select); coding-DNA positions 248 to 249, 2 bases deleted (GC; older notation c.248_249delGC).
Protein change: p.Cys83fs; shifts the reading frame from cysteine 83.
Molecular consequence: frameshift variant.
Genome position (GRCh38, 1-based): chr11:61,397,792-61,397,793, GC deleted. VCF-style (leftmost placement, unchanged base first): chr11-61397791-TGC-T. GRCh37 (hg19) VCF-style: chr11-61165263-TGC-T.
Other names: c.248_249del, p.Cys83fs (NM_001173991.3); c.65_66del, p.Cys22fs (NM_001330285.2, NM_016499.6); short protein forms C22fs, C83fs.
Identifiers: ClinVar variation 2759721 (VCV002759721.3), dbSNP rs2539896401, ClinGen allele CA2697548689.